The following is an entry in ClinVar:

NM_001374259.2(IL12RB2):c.1938C>G (p.Phe646Leu)

Gene: IL12RB2 (interleukin 12 receptor subunit beta 2; plus strand). Cytogenetic location: 1p31.3.
Variant type: single nucleotide variant.
Coding change: c.1938C>G on transcript NM_001374259.2 (MANE Select); coding-DNA position 1938, C replaced by G.
Protein change: p.Phe646Leu; replaces phenylalanine 646 with leucine.
Molecular consequence: missense variant. On other transcripts: non-coding transcript variant (1), intron variant (1).
Genome position (GRCh38, 1-based): chr1:67,386,661, C>G. VCF-style: chr1-67386661-C-G. GRCh37 (hg19) VCF-style: chr1-67852344-C-G.
Other names: c.1938C>G, p.Phe646Leu (NM_001258214.1, NM_001319233.1, NM_001559.3); c.1680C>G, p.Phe560Leu (NM_001258215.1); c.1855+6538C>G (NM_001258216.1); short protein forms F560L, F646L.
Identifiers: ClinVar variation 1351115 (VCV001351115.8), dbSNP rs200680330, ClinGen allele CA900606.

ClinVar aggregate classification (germline): Uncertain significance (1 of 4 stars; one submission).

Allele frequency attached by ClinVar (database versions not stated): gnomAD 0.00001; gnomAD exomes 0.00001; ExAC 0.00002; 1000 Genomes Project 30x 0.00016; 1000 Genomes Project 0.00020.
gnomAD v4.1: 8 of 1,606,148 alleles (0.0005%); highest among the groups gnomAD compares: Non-Finnish European, 0.00068%; no homozygotes.

Submission:

Labcorp Genetics (formerly Invitae), Labcorp
Classification: Uncertain significance. Last evaluated: 2021-05-04. Review status: criteria provided, single submitter. Criteria: Invitae Variant Classification Sherloc (09022015). Collection method: clinical testing. Allele origin: germline.
Comment: This variant has not been reported in the literature in individuals with IL12RB2-related conditions. This variant is present in population databases (rs200680330, ExAC 0.003%). This sequence change replaces phenylalanine with leucine at codon 646 of the IL12RB2 protein (p.Phe646Leu). The phenylalanine residue is moderately conserved and there is a small physicochemical difference between phenylalanine and leucine. Algorithms developed to predict the effect of missense changes on protein structure and function (SIFT, PolyPhen-2, Align-GVGD) all suggest that this variant is likely to be tolerated, but these predictions have not been confirmed by published functional studies and their clinical significance is uncertain. In summary, the available evidence is currently insufficient to determine the role of this variant in disease. Therefore, it has been classified as a Variant of Uncertain Significance.